The following is an entry in ClinVar:

ClinVar aggregate classification (germline): Uncertain significance (1 of 4 stars; one submission).

Conditions:
Multiple gastrointestinal atresias. Also called: FAMILIAL INTESTINAL POLYATRESIA SYNDROME; Multiple intestinal atresia. Identifiers: Orphanet 2300, MedGen C0220744, MONDO:0009465.

Submission:

Labcorp Genetics (formerly Invitae), Labcorp
Classification: Uncertain significance for Multiple gastrointestinal atresias. Last evaluated: 2022-10-28. Review status: criteria provided, single submitter. Criteria: Invitae Variant Classification Sherloc (09022015). Collection method: clinical testing. Allele origin: germline.
Comment: This sequence change replaces alanine, which is neutral and non-polar, with valine, which is neutral and non-polar, at codon 524 of the TTC7A protein (p.Ala524Val). In summary, the available evidence is currently insufficient to determine the role of this variant in disease. Therefore, it has been classified as a Variant of Uncertain Significance. Algorithms developed to predict the effect of missense changes on protein structure and function are either unavailable or do not agree on the potential impact of this missense change (SIFT: "Tolerated"; PolyPhen-2: "Probably Damaging"; Align-GVGD: "Class C0"). This variant has not been reported in the literature in individuals affected with TTC7A-related conditions. This variant is not present in population databases (gnomAD no frequency).

NM_020458.4(TTC7A):c.1571C>T (p.Ala524Val)

Gene: TTC7A (tetratricopeptide repeat domain 7A; plus strand). Cytogenetic location: 2p21.
Variant type: single nucleotide variant.
Coding change: c.1571C>T on transcript NM_020458.4 (MANE Select); coding-DNA position 1571, C replaced by T.
Protein change: p.Ala524Val; replaces alanine 524 with valine.
Molecular consequence: missense variant.
Genome position (GRCh38, 1-based): chr2:47,024,289, C>T. VCF-style: chr2-47024289-C-T. GRCh37 (hg19) VCF-style: chr2-47251428-C-T.
Other names: c.1571C>T, p.Ala524Val (NM_001288951.2); c.1469C>T, p.Ala490Val (NM_001288953.2); c.509C>T, p.Ala170Val (NM_001288955.2); short protein forms A170V, A524V, A490V.
Identifiers: ClinVar variation 2117657 (VCV002117657.4), dbSNP rs1226784008, ClinGen allele CA346716315.
Genomic context (GRCh38, chr2:47,024,289, plus strand): 5'-TCACACGTTGGTCACTCAACCCCTGGTGCCTGACTTGTCACTCCCTCTCCCCACACAGGG[C>T]TCAGCAGCTGGCGCCCAGTGACCCCCAGGTCATCCTCTATGTCTCGCTGCAGCTGGCCCT-3'
Protein context (NP_065191.2, residues 514-534): HRKALQTLER[Ala524Val]QQLAPSDPQV